The following is an entry in ClinVar:

ClinVar aggregate classification (germline): Uncertain significance (1 of 4 stars; one submission).

Submission:

Labcorp Genetics (formerly Invitae), Labcorp
Classification: Uncertain significance. Last evaluated: 2024-07-24. Review status: criteria provided, single submitter. Criteria: Invitae Variant Classification Sherloc (09022015). Collection method: clinical testing. Allele origin: germline.
Comment: This sequence change replaces leucine, which is neutral and non-polar, with valine, which is neutral and non-polar, at codon 93 of the FSCN2 protein (p.Leu93Val). This variant is not present in population databases (gnomAD no frequency). This variant has not been reported in the literature in individuals affected with FSCN2-related conditions. An algorithm developed to predict the effect of missense changes on protein structure and function outputs the following: PolyPhen-2: "Benign". The valine amino acid residue is found in multiple mammalian species, which suggests that this missense change does not adversely affect protein function. In summary, the available evidence is currently insufficient to determine the role of this variant in disease. Therefore, it has been classified as a Variant of Uncertain Significance.

NM_012418.4(FSCN2):c.277C>G (p.Leu93Val)

Gene: FSCN2 (fascin actin-bundling protein 2, retinal; plus strand). Cytogenetic location: 17q25.3.
Variant type: single nucleotide variant.
Coding change: c.277C>G on transcript NM_012418.4 (MANE Select); coding-DNA position 277, C replaced by G.
Protein change: p.Leu93Val; replaces leucine 93 with valine.
Molecular consequence: missense variant.
Genome position (GRCh38, 1-based): chr17:81,528,808, C>G. VCF-style: chr17-81528808-C-G. GRCh37 (hg19) VCF-style: chr17-79495834-C-G.
Other names: c.277C>G, p.Leu93Val (NM_001077182.3); short protein forms L93V.
Identifiers: ClinVar variation 3689640 (VCV003689640.2).